The following is an entry in ClinVar:

ClinVar aggregate classification (germline): Pathogenic/Likely pathogenic. Review status: criteria provided, multiple submitters, no conflicts (2 of 4 stars). 5 submissions from 5 submitters: Pathogenic (1); Likely pathogenic (4). Last evaluated 2024-03-11.

Conditions:
Usher syndrome. Also called: Usher Syndromes; Usher's syndrome. Identifiers: Orphanet 886, MedGen CN469326, MeSH D052245, MONDO:0019501. Disease mechanism: loss of function.
Usher syndrome type 2A. Also called: USHER SYNDROME, TYPE IIA; RETINAL DISEASE IN USHER SYNDROME TYPE IIA, MODIFIER OF. Identifiers: Orphanet 231178, Orphanet 886, MedGen C1848634, MONDO:0010169, OMIM 276901.

Submissions (5):

Natera, Inc.
Classification: Likely pathogenic for Usher syndrome type 2A. Last evaluated: 2024-03-11. Review status: criteria provided, single submitter. Criteria: Natera Variant Classification Schema (03/2026). Collection method: clinical testing. Allele origin: germline.
Comment: The c.838C>T variant in USH2A is a missense variant predicted to cause substitution of leucine to phenylalanine at amino acid 280. This variant is rare in the general population with a frequency below the threshold expected for the associated phenotype(s). This variant has been observed in one or more individuals affected with the associated recessive disease, as either homozygous or compound heterozygous with a second variant (PMID: 24944099, 17405132). Computational prediction algorithms indicate this variant is likely to affect gene or protein function. Given the available evidence, this variant is classified as Likely Pathogenic.

Genome-Nilou Lab
Classification: Likely pathogenic for Usher syndrome type 2A. Last evaluated: 2023-11-04. Review status: criteria provided, single submitter. Criteria: ACMG Guidelines, 2015. Collection method: clinical testing. Allele origin: germline. Affected: no.

GeneDx
Classification: Likely pathogenic. Last evaluated: 2022-12-21. Review status: criteria provided, single submitter. Criteria: GeneDx Variant Classification Process June 2021. Collection method: clinical testing. Allele origin: germline. Affected: yes.
Comment: In silico analysis supports that this missense variant has a deleterious effect on protein structure/function; Not observed at significant frequency in large population cohorts (gnomAD); This variant is associated with the following publications: (PMID: 17405132, 24944099)

Labcorp Genetics (formerly Invitae), Labcorp
Classification: Pathogenic. Last evaluated: 2022-11-08. Review status: criteria provided, single submitter. Criteria: Invitae Variant Classification Sherloc (09022015). Collection method: clinical testing. Allele origin: germline.
Comment: This sequence change replaces leucine, which is neutral and non-polar, with phenylalanine, which is neutral and non-polar, at codon 280 of the USH2A protein (p.Leu280Phe). For these reasons, this variant has been classified as Pathogenic. Advanced modeling of protein sequence and biophysical properties (such as structural, functional, and spatial information, amino acid conservation, physicochemical variation, residue mobility, and thermodynamic stability) has been performed at Invitae for this missense variant, however the output from this modeling did not meet the statistical confidence thresholds required to predict the impact of this variant on USH2A protein function. ClinVar contains an entry for this variant (Variation ID: 1042201). This missense change has been observed in individual(s) with Usher syndrome (PMID: 17405132, 24944099). In at least one individual the data is consistent with being in trans (on the opposite chromosome) from a pathogenic variant. This variant is not present in population databases (gnomAD no frequency).

Women's Health and Genetics/Laboratory Corporation of America, LabCorp
Classification: Likely pathogenic for Usher syndrome. Last evaluated: 2021-07-21. Review status: criteria provided, single submitter. Criteria: LabCorp Variant Classification Summary - May 2015. Collection method: clinical testing. Allele origin: germline.
Comment: Variant summary: USH2A c.838C>T (p.Leu280Phe) results in a non-conservative amino acid change located in the LamG-like jellyroll fold (IPR006558)/Laminin N-terminal domain of the encoded protein sequence. Leucine residue at position 280 is highly conserved among 12 orthologs and has been predicted to be the N2 residue of an alpha helix with the replacement by a Phenylalanine as likely to alter the secondary structure of the Usherin protein (Baux_2007). Five of five in-silico tools predict a damaging effect of the variant on protein function. The variant was absent in 250912 control chromosomes. c.838C>T has been reported in the literature as distinct genotypes in at-least two individuals affected with Usher Syndrome (example, Baux_2007, Baux_2014). These data indicate that the variant may be associated with disease. To our knowledge, no experimental evidence demonstrating an impact on protein function has been reported. One clinical diagnostic laboratory has submitted clinical-significance assessments for this variant to ClinVar after 2014 and classified the variant as uncertain significance citing one overlapping evidence utilized in the context of this evaluation. Based on the evidence outlined above, the variant was classified as likely pathogenic.

Literature cited by the submitters: PubMed 24944099 (cited by 3 submitters); PubMed 17405132 (cited by 3 submitters).

NM_206933.4(USH2A):c.838C>T (p.Leu280Phe)

Gene: USH2A (usherin; minus strand). Cytogenetic location: 1q41.
Variant type: single nucleotide variant.
Coding change: c.838C>T on transcript NM_206933.4 (MANE Select); coding-DNA position 838, C replaced by T.
Protein change: p.Leu280Phe; replaces leucine 280 with phenylalanine.
Molecular consequence: missense variant.
Genome position (GRCh38, 1-based): chr1:216,327,601, G>A on the plus strand (C>T on the coding strand, the complement: USH2A is on the minus strand). VCF-style: chr1-216327601-G-A. GRCh37 (hg19) VCF-style: chr1-216500943-G-A.
Other names: c.838C>T, p.Leu280Phe (NM_007123.6); short protein forms L280F.
Identifiers: ClinVar variation 1042201 (VCV001042201.12), dbSNP rs2037760521, ClinGen allele CA344912819.